The following is an entry in ClinVar:

ClinVar aggregate classification (germline): Likely benign (1 of 4 stars; one submission).

Conditions:
Hereditary breast ovarian cancer syndrome. Also called: Hereditary breast and ovarian cancer; Hereditary breast and ovarian cancer syndrome (HBOC); Breast and ovarian cancer; Hereditary breast and/or ovarian cancer syndrome; BRCA1- and BRCA2-Associated Hereditary Breast and Ovarian Cancer; Hereditary breast and ovarian cancer syndrome. Identifiers: Orphanet 145, MedGen C0677776, MeSH D061325, MONDO:0003582. Disease mechanism: loss of function.

Submissions (2):

Labcorp Genetics (formerly Invitae), Labcorp
Classification: Likely benign for Hereditary breast ovarian cancer syndrome. Last evaluated: 2024-08-12. Review status: criteria provided, single submitter. Criteria: Invitae Variant Classification Sherloc (09022015). Collection method: clinical testing. Allele origin: germline.

Brotman Baty Institute, University of Washington
No classification provided (evidence only). Condition: Breast-ovarian cancer, familial 1. Review status: no classification provided. Collection method: in vitro. Allele origin: not applicable. Functional consequence: functionally_normal. Not counted in ClinVar's aggregate classification.
ClinVar note: "not provided" was previously submitted as the classification for the variant. However, the classification appeared to be based only on an observation of functional data so it was converted to no classification on 2025-07-30.

NM_007294.4(BRCA1):c.5467+10C>T

Gene: BRCA1 (BRCA1 DNA repair associated; minus strand). Cytogenetic location: 17q21.31.
Variant type: single nucleotide variant.
Coding change: c.5467+10C>T on transcript NM_007294.4 (MANE Select); 10 bases into the intron after coding-DNA position 5467, C replaced by T.
Molecular consequence: intron variant.
Genome position (GRCh38, 1-based): chr17:43,047,633, G>A on the plus strand (C>T on the coding strand, the complement: BRCA1 is on the minus strand). VCF-style: chr17-43047633-G-A. GRCh37 (hg19) VCF-style: chr17-41199650-G-A.
Other names: c.2014+10C>T (NM_001408458.1, NM_001408461.1, NM_001408464.1 and 7 more transcripts); c.4576+10C>T (NM_001407967.1); c.5086+10C>T (NM_001407959.1); c.5200+10C>T (NM_001407931.1, NM_001407932.1, NM_001407928.1 and 4 more transcripts); c.5323+10C>T (NM_001407747.1, NM_001407745.1, NM_001407737.1 and 18 more transcripts); c.5083+10C>T (NM_001407962.1, NM_001407960.1); c.1654+10C>T (NM_001408512.1); c.1777+10C>T (NM_001408510.1); and 83 more.
Identifiers: ClinVar variation 868536 (VCV000868536.5), dbSNP rs2050973400, ClinGen allele CA916080757.